The following is an entry in ClinVar:

NM_020297.4(ABCC9):c.4512+693_4512+694del

Genes: KCNJ8-AS1 (KCNJ8 antisense RNA 1; plus strand), ABCC9 (ATP binding cassette subfamily C member 9; minus strand). Cytogenetic location: 12p12.1.
Variant type: Microsatellite.
Coding change: c.4512+693_4512+694del on transcript NM_020297.4 (MANE Select); bases 693 to 694 of the intron after coding-DNA position 4512, 2 bases deleted (GT; older notation c.4512+693_4512+694delGT).
Molecular consequence: intron variant. On other transcripts: frameshift variant (1).
Genome position (GRCh38, 1-based): chr12:21,805,304-21,805,305, AC deleted on the plus strand (GT on the coding strand, the reverse complement: ABCC9 is on the minus strand); deleting any 2 consecutive bases within chr12:21,805,304-21,805,307 gives the same sequence; the c. name uses the placement nearest the transcript's 3' end. VCF-style (leftmost placement, unchanged base first): chr12-21805303-GAC-G. GRCh37 (hg19) VCF-style: chr12-21958237-GAC-G.
Other names: c.4519_4520del, p.Val1507fs (NM_005691.4); c.3645+693_3645+694del (NM_001377274.1); c.4512+693_4512+694del (NM_001377273.1); short protein forms V1507fs.
Identifiers: ClinVar variation 2026080 (VCV002026080.4), dbSNP rs2540792391, ClinGen allele CA2580615149.
Genomic context (GRCh38, chr12:21,805,303, plus strand): 5'-ACACTCCACTAAAATACCCTCAGAAAAGACTAAAACAAGGCCTGCATCCATAATAGAAGA[GAC>G]ACGGTGCTGGAGAGAAAAATAGAAAAGAAGAGAATCAGCAGAAGGAAAAATGTCCAAGTG-3'

ClinVar aggregate classification (germline): Uncertain significance (1 of 4 stars; one submission).

Conditions:
Dilated cardiomyopathy 1O (CMD1O). Also called: CARDIOMYOPATHY, DILATED, WITH VENTRICULAR TACHYCARDIA. Identifiers: Orphanet 154, MedGen C1837839, MONDO:0012062, OMIM 608569.

Submission:

Labcorp Genetics (formerly Invitae), Labcorp
Classification: Uncertain significance for Dilated cardiomyopathy 1O. Last evaluated: 2022-08-22. Review status: criteria provided, single submitter. Criteria: Invitae Variant Classification Sherloc (09022015). Collection method: clinical testing. Allele origin: germline.
Comment: This sequence change creates a premature translational stop signal (p.Val1507Leufs*14) in the ABCC9 gene. While this is not anticipated to result in nonsense mediated decay, it is expected to disrupt the last 43 amino acid(s) of the ABCC9 protein. This variant is not present in population databases (gnomAD no frequency). This variant has not been reported in the literature in individuals affected with ABCC9-related conditions. Experimental studies and prediction algorithms are not available or were not evaluated, and the functional significance of this variant is currently unknown. In summary, the available evidence is currently insufficient to determine the role of this variant in disease. Therefore, it has been classified as a Variant of Uncertain Significance.